The following is an entry in ClinVar:

ClinVar aggregate classification (germline): Likely benign. Review status: criteria provided, multiple submitters, no conflicts (2 of 4 stars). 4 submissions from 4 submitters: Likely benign (2). 2 of the submissions do not count toward it. Last evaluated 2025-07-03.

Conditions:
EYS-related disorder. Also called: EYS-related condition.
Retinitis pigmentosa 25 (RP25). Identifiers: Orphanet 791, MedGen C1864446, MONDO:0011272, OMIM 602772.

Allele frequency attached by ClinVar (database versions not stated): ExAC 0.00002; gnomAD exomes 0.00002 and 0.00003; gnomAD 0.00004 and 0.00005; TOPMed 0.00005.
gnomAD v4.1: 38 of 1,614,096 alleles (0.0024%); highest among the groups gnomAD compares: Admixed American, 0.013%; no homozygotes.

Submissions (4):

Labcorp Genetics (formerly Invitae), Labcorp
Classification: Likely benign. Last evaluated: 2025-07-03. Review status: criteria provided, single submitter. Criteria: Invitae Variant Classification Sherloc (09022015). Collection method: clinical testing. Allele origin: germline.

Blueprint Genetics
Classification: Likely benign. Last evaluated: 2022-08-26. Review status: criteria provided, single submitter. Criteria: ACMG Guidelines, 2015. Collection method: clinical testing. Allele origin: germline.

Natera, Inc.
Classification: Likely benign for Retinitis pigmentosa type 25. Last evaluated: 2020-10-08. Review status: no assertion criteria provided. Collection method: clinical testing. Allele origin: germline. Not counted in ClinVar's aggregate classification.

PreventionGenetics, part of Exact Sciences
Classification: Likely benign for EYS-related condition. Last evaluated: 2019-07-01. Review status: no assertion criteria provided. Collection method: clinical testing. Allele origin: germline. Not counted in ClinVar's aggregate classification.
Comment: This variant is classified as likely benign based on ACMG/AMP sequence variant interpretation guidelines (Richards et al. 2015 PMID: 25741868, with internal and published modifications).

NM_001142800.2(EYS):c.390A>G (p.Leu130=)

Gene: EYS (EGF-like photoreceptor maintenance factor; minus strand). Cytogenetic location: 6q12.
Variant type: single nucleotide variant.
Coding change: c.390A>G on transcript NM_001142800.2 (MANE Select); coding-DNA position 390, A replaced by G.
Protein change: p.Leu130=; no amino-acid change (leucine 130 retained).
Molecular consequence: synonymous variant.
Genome position (GRCh38, 1-based): chr6:65,495,021, T>C on the plus strand (A>G on the coding strand, the complement: EYS is on the minus strand). VCF-style: chr6-65495021-T-C. GRCh37 (hg19) VCF-style: chr6-66204914-T-C.
Other names: c.390A>G, p.Leu130= (NM_001142801.2, NM_001292009.2, NM_198283.2).
Identifiers: ClinVar variation 763277 (VCV000763277.14), dbSNP rs758943572, ClinGen allele CA3878079.